The following is an entry in ClinVar:

ClinVar aggregate classification (germline): Uncertain significance. Review status: criteria provided, multiple submitters, no conflicts (2 of 4 stars). 2 submissions from 2 submitters: Uncertain significance (2). Last evaluated 2025-05-27.

Conditions:
Hereditary cancer-predisposing syndrome. Also called: Hereditary Cancer Syndrome; Hereditary neoplastic syndrome; Tumor predisposition; Neoplastic Syndromes, Hereditary. Identifiers: Orphanet 140162, MedGen C0027672, MeSH D009386, MONDO:0015356.
Gorlin syndrome. Also called: Basal cell nevus syndrome; Nevoid Basal Cell Carcinoma Syndrome. Identifiers: Orphanet 377, MedGen C0004779, MONDO:0007187.

Submissions (2):

Ambry Genetics
Classification: Uncertain significance for Hereditary cancer-predisposing syndrome. Last evaluated: 2025-05-27. Review status: criteria provided, single submitter. Criteria: Ambry Variant Classification Scheme 2023. Collection method: clinical testing. Allele origin: germline.
Comment: The p.G1291R variant (also known as c.3871G>A), located in coding exon 23 of the PTCH1 gene, results from a G to A substitution at nucleotide position 3871. The glycine at codon 1291 is replaced by arginine, an amino acid with dissimilar properties. This amino acid position is not well conserved in available vertebrate species. In addition, this alteration is predicted to be tolerated by in silico analysis. Based on the available evidence, the clinical significance of this variant remains unclear.

Labcorp Genetics (formerly Invitae), Labcorp
Classification: Uncertain significance for Gorlin syndrome. Last evaluated: 2021-03-10. Review status: criteria provided, single submitter. Criteria: Invitae Variant Classification Sherloc (09022015). Collection method: clinical testing. Allele origin: germline.
Comment: Advanced modeling of protein sequence and biophysical properties (such as structural, functional, and spatial information, amino acid conservation, physicochemical variation, residue mobility, and thermodynamic stability) performed at Invitae indicates that this missense variant is not expected to disrupt PTCH1 protein function. This variant has not been reported in the literature in individuals with PTCH1-related conditions. This variant is not present in population databases (ExAC no frequency). This sequence change replaces glycine with arginine at codon 1291 of the PTCH1 protein (p.Gly1291Arg). The glycine residue is weakly conserved and there is a moderate physicochemical difference between glycine and arginine. Algorithms developed to predict the effect of sequence changes on RNA splicing suggest that this variant may create or strengthen a splice site, but this prediction has not been confirmed by published transcriptional studies. In summary, the available evidence is currently insufficient to determine the role of this variant in disease. Therefore, it has been classified as a Variant of Uncertain Significance.

NM_000264.5(PTCH1):c.3871G>A (p.Gly1291Arg)

Gene: PTCH1 (patched 1; minus strand). Cytogenetic location: 9q22.32.
Variant type: single nucleotide variant.
Coding change: c.3871G>A on transcript NM_000264.5 (MANE Select); coding-DNA position 3871, G replaced by A.
Protein change: p.Gly1291Arg; replaces glycine 1291 with arginine.
Molecular consequence: missense variant. On other transcripts: non-coding transcript variant (1).
Genome position (GRCh38, 1-based): chr9:95,447,385, C>T on the plus strand (G>A on the coding strand, the complement: PTCH1 is on the minus strand). VCF-style: chr9-95447385-C-T. GRCh37 (hg19) VCF-style: chr9-98209667-C-T.
Other names: c.3871G>A (NM_000264.3); c.3673G>A, p.Gly1225Arg (NM_001083602.3); c.3868G>A, p.Gly1290Arg (NM_001083603.3); c.3418G>A, p.Gly1140Arg (NM_001083604.3, NM_001083605.3, NM_001083606.3 and 1 more transcripts); c.3715G>A, p.Gly1239Arg (NM_001354918.2); short protein forms G1291R, G1140R, G1290R, G1225R, G1239R.
Identifiers: ClinVar variation 1357649 (VCV001357649.11), dbSNP rs2136583470, ClinGen allele CA374110748.
Genomic context (GRCh38, chr9:95,447,385, plus strand): 5'-AGCCTTCTCTGGGGGGGTCCCTGCGGGGCTGCTGGCCTTGCCGTCCGGGAGGCAGGGACC[C>T]TGAGTCCAGGTGGGGCTGCTGTCTCGGGTTCGAGGGTGGGTGATGCCTGGATTCGGGATG-3'
Protein context (NP_000255.2, residues 1281-1301): NPRQQPHLDS[Gly1291Arg]SLPPGRQGQQ